The following is an entry in ClinVar:

NC_012920.1(MT-TW):m.5543T>C

Gene: MT-TW (mitochondrially encoded tRNA tryptophan; plus strand).
Variant type: single nucleotide variant.
Genome position: chrM-5543-T-C.
Identifiers: ClinVar variation 689935 (VCV000689935.3), dbSNP rs1603220016, ClinGen allele CA913179809.

ClinVar aggregate classification (germline): Uncertain significance. Review status: reviewed by expert panel (3 of 4 stars). 3 submissions from 3 submitters: Uncertain significance (1). 2 of the submissions do not count toward it. Last evaluated 2024-05-13.

Conditions:
Mitochondrial disease. Also called: Mitochondrial disorder; Mitochondrial disorders. Identifiers: Orphanet 68380, MedGen C0751651, MeSH D028361, MONDO:0044970.
MELAS syndrome (MELAS). Also called: Juvenile myopathy, encephalopathy, lactic acidosis, stroke. Identifiers: Orphanet 550, MedGen C0162671, MONDO:0010789, OMIM 540000.

Submissions (3):

ClinGen Mitochondrial Disease Nuclear and Mitochondrial  Variant Curation Expert Panel, ClinGen
Classification: Uncertain significance for Mitochondrial disease. Last evaluated: 2024-05-13. Review status: reviewed by expert panel. Criteria: clingen mito disease acmg specifications v1-1. Collection method: curation. Allele origin: germline. Inheritance: Mitochondrial inheritance.
Comment: The m.5543T>C variant in MT-TW has been reported in three unrelated individuals with primary mitochondrial disease. Clinical features in affected individuals include myopathy, exercise intolerance, headache, and COX-negative and ragged red fibers. Heteroplasmy levels in affected individuals ranged from undetectable in blood and skin fibroblasts to 80-95% in muscle (PS4_supporting; PMIDs: 15670724, 21712854, 26469001). There are no reported de novo occurrences of this variant to our knowledge. The variant was undetectable in blood from one mother however this variant was also undetectable in the proband’s blood precluding consideration for de novo occurrence (PMID: 15670724). In another family, the mother had the variant at lower heteroplasmy levels than the affected child (8% in blood, 29% in urine, and 14% in buccal sample) however this does not meet criteria to apply evidence for segregation as at least two segregations are needed. This variant is absent in the GenBank dataset, Helix dataset, and gnomAD v3.1.2 (PM2_supporting). Computational predictor tools are conflicting as MitoTIP suggests this variant is benign (47.3 percentile) and HmtVAR predicts it to be pathogenic (0.7). Single fiber testing showed higher levels of the variant in COX-negative fibers (99%) than in COX-positive fibers (76%), p<0.05 (PS3_supporting, PMID: 15670724). In summary, this variant meets criteria to be classified as uncertain significance for primary mitochondrial disease inherited in a mitochondrial manner. This classification was approved by the NICHD/NINDS U24 ClinGen Mitochondrial Disease Variant Curation Expert Panel on May 13, 2024. Mitochondrial DNA-specific ACMG/AMP criteria applied (PMID: 32906214): PS4_supporting, PM2_supporting, PS3_supporting.

Mendelics
Classification: Pathogenic for MELAS syndrome. Last evaluated: 2022-05-04. Review status: criteria provided, single submitter. Criteria: Mendelics Assertion Criteria 2019. Collection method: clinical testing. Allele origin: germline. Not counted in ClinVar's aggregate classification.

Wong Mito Lab, Molecular and Human Genetics, Baylor College of Medicine
Classification: Pathogenic for MELAS syndrome. Last evaluated: 2019-07-12. Review status: criteria provided, single submitter. Criteria: Modified ACMG Guidelines (Unpublished). Collection method: clinical testing. Allele origin: germline. Not counted in ClinVar's aggregate classification.
Comment: The NC_012920.1:m.5543T>C variant in MT-TW gene is interpreted to be a Pathogenic variant based on the modified ACMG guidelines (unpublished). This variant meets the following evidence codes reported in the guidelines: PS3, PM8, PM9, PP3, PP4, PP6

Literature cited by the submitters: PubMed 15670724 (cited by ClinGen Mitochondrial Disease Nuclear and Mitochondrial  Variant Curation Expert Panel, ClinGen and Wong Mito Lab, Molecular and Human Genetics, Baylor College of Medicine); PubMed 31965079 (cited by Wong Mito Lab, Molecular and Human Genetics, Baylor College of Medicine); PubMed 21712854 (cited by Wong Mito Lab, Molecular and Human Genetics, Baylor College of Medicine).